The following is an entry in ClinVar:

ClinVar aggregate classification (germline): Uncertain significance (1 of 4 stars; one submission).

Allele frequency attached by ClinVar (database versions not stated): gnomAD exomes below 0.00001; TOPMed below 0.00001.
gnomAD v4.1: 1 of 1,613,992 alleles (0.000062%); highest among the groups gnomAD compares: Non-Finnish European, 0.000085%; no homozygotes.

Submission:

Labcorp Genetics (formerly Invitae), Labcorp
Classification: Uncertain significance. Last evaluated: 2021-12-15. Review status: criteria provided, single submitter. Criteria: Invitae Variant Classification Sherloc (09022015). Collection method: clinical testing. Allele origin: germline.
Comment: This sequence change replaces proline, which is neutral and non-polar, with serine, which is neutral and polar, at codon 239 of the GFM1 protein (p.Pro239Ser). This variant is not present in population databases (gnomAD no frequency). This variant has not been reported in the literature in individuals affected with GFM1-related conditions. Advanced modeling of protein sequence and biophysical properties (such as structural, functional, and spatial information, amino acid conservation, physicochemical variation, residue mobility, and thermodynamic stability) performed at Invitae indicates that this missense variant is expected to disrupt GFM1 protein function. In summary, the available evidence is currently insufficient to determine the role of this variant in disease. Therefore, it has been classified as a Variant of Uncertain Significance.

NM_024996.7(GFM1):c.715C>T (p.Pro239Ser)

Gene: GFM1 (G elongation factor mitochondrial 1; plus strand). Cytogenetic location: 3q25.32.
Variant type: single nucleotide variant.
Coding change: c.715C>T on transcript NM_024996.7 (MANE Select); coding-DNA position 715, C replaced by T.
Protein change: p.Pro239Ser; replaces proline 239 with serine.
Molecular consequence: missense variant. On other transcripts: non-coding transcript variant (4).
Genome position (GRCh38, 1-based): chr3:158,652,121, C>T. VCF-style: chr3-158652121-C-T. GRCh37 (hg19) VCF-style: chr3-158369910-C-T.
Other names: c.772C>T, p.Pro258Ser (NM_001308164.2, NM_001374355.1); c.715C>T, p.Pro239Ser (NM_001308166.2); c.598C>T, p.Pro200Ser (NM_001374356.1); c.490C>T, p.Pro164Ser (NM_001374357.1); c.256C>T, p.Pro86Ser (NM_001374358.1); c.148C>T, p.Pro50Ser (NM_001374359.1, NM_001374360.1); c.31C>T, p.Pro11Ser (NM_001374361.1); short protein forms P86S, P164S, P258S, P11S, P200S, P239S, P50S.
Identifiers: ClinVar variation 2044079 (VCV002044079.1), dbSNP rs1722343637, ClinGen allele CA355176648.